The following is an entry in ClinVar:

NM_201384.3(PLEC):c.6492C>G (p.Asp2164Glu)

Gene: PLEC (plectin; minus strand). Cytogenetic location: 8q24.3.
Variant type: single nucleotide variant.
Coding change: c.6492C>G on transcript NM_201384.3 (MANE Select); coding-DNA position 6492, C replaced by G.
Protein change: p.Asp2164Glu; replaces aspartic acid 2164 with glutamic acid.
Molecular consequence: missense variant.
Genome position (GRCh38, 1-based): chr8:143,923,437, G>C on the plus strand (C>G on the coding strand, the complement: PLEC is on the minus strand). VCF-style: chr8-143923437-G-C. GRCh37 (hg19) VCF-style: chr8-144997605-G-C.
Other names: c.6573C>G, p.Asp2191Glu (NM_000445.5); c.6450C>G, p.Asp2150Glu (NM_201378.4); c.6426C>G, p.Asp2142Glu (NM_201379.3); c.6903C>G, p.Asp2301Glu (NM_201380.4); c.6396C>G, p.Asp2132Glu (NM_201381.3); c.6492C>G, p.Asp2164Glu (NM_201382.4); c.6504C>G, p.Asp2168Glu (NM_201383.3); short protein forms D2150E, D2168E, D2301E, D2191E, D2132E, D2142E, D2164E.
Identifiers: ClinVar variation 662915 (VCV000662915.6), dbSNP rs575031901, ClinGen allele CA4925971.

ClinVar aggregate classification (germline): Uncertain significance (1 of 4 stars; one submission).

Conditions:
Epidermolysis bullosa simplex, Ogna type (EBS5A). Also called: Pidermolysis bullosa simplex 5A, Ogna type; EPIDERMOLYSIS BULLOSA SIMPLEX 5A, OGNA TYPE. Identifiers: Orphanet 79401, MedGen C0432317, MONDO:0007555, OMIM 131950.
Autosomal recessive limb-girdle muscular dystrophy type 2Q (LGMDR17). Also called: MUSCULAR DYSTROPHY, LIMB-GIRDLE, AUTOSOMAL RECESSIVE 17. Identifiers: Orphanet 254361, MedGen C3150989, MONDO:0013390, OMIM 613723.
Epidermolysis bullosa simplex with nail dystrophy (EBS5D). Identifiers: MedGen C4225309, MONDO:0014661, OMIM 616487.
Epidermolysis bullosa simplex 5B, with muscular dystrophy (EBS5B). Also called: Epidermolysis bullosa simplex with muscular dystrophy; EPIDERMOLYSIS BULLOSA SIMPLEX AND LIMB-GIRDLE MUSCULAR DYSTROPHY. Identifiers: Orphanet 257, MedGen C2931072, MONDO:0009181, OMIM 226670.
Epidermolysis bullosa simplex 5C, with pyloric atresia (EBS5C). Also called: PLEC-Related Epidermolysis Bullosa with Pyloric Atresia; PLEC1-Related Epidermolysis Bullosa with Pyloric Atresia; Epidermolysis bullosa simplex with pyloric atresia. Identifiers: Orphanet 158684, MedGen C2677349, MONDO:0012807, OMIM 612138.

gnomAD v4.1: 1 of 1,609,448 alleles (0.000062%); highest among the groups gnomAD compares: South Asian, 0.0011%; no homozygotes.

Submission:

Labcorp Genetics (formerly Invitae), Labcorp
Classification: Uncertain significance for Autosomal recessive limb-girdle muscular dystrophy type 2Q; Epidermolysis bullosa simplex, Ogna type; Epidermolysis bullosa simplex with nail dystrophy; Epidermolysis bullosa simplex 5C, with pyloric atresia; Epidermolysis bullosa simplex 5B, with muscular dystrophy. Last evaluated: 2022-01-14. Review status: criteria provided, single submitter. Criteria: Invitae Variant Classification Sherloc (09022015). Collection method: clinical testing. Allele origin: germline.
Comment: This variant has not been reported in the literature in individuals affected with PLEC-related conditions. ClinVar contains an entry for this variant (Variation ID: 662915). Algorithms developed to predict the effect of missense changes on protein structure and function (SIFT, PolyPhen-2, Align-GVGD) all suggest that this variant is likely to be disruptive. In summary, the available evidence is currently insufficient to determine the role of this variant in disease. Therefore, it has been classified as a Variant of Uncertain Significance. The frequency data for this variant in the population databases is considered unreliable, as metrics indicate poor data quality at this position in the gnomAD database. This sequence change replaces aspartic acid, which is acidic and polar, with glutamic acid, which is acidic and polar, at codon 2191 of the PLEC protein (p.Asp2191Glu).